The following is an entry in ClinVar:

NM_181426.2(CCDC39):c.2596G>T (p.Glu866Ter)

Genes: CCDC39 (coiled-coil domain 39 molecular ruler complex subunit; minus strand), TTC14 (tetratricopeptide repeat domain 14; plus strand). Cytogenetic location: 3q26.33.
Variant type: single nucleotide variant.
Coding change: c.2596G>T on transcript NM_181426.2 (MANE Select); coding-DNA position 2596, G replaced by T.
Protein change: p.Glu866Ter; replaces glutamic acid 866 with a stop codon.
Molecular consequence: nonsense. On other transcripts: intron variant (1).
Genome position (GRCh38, 1-based): chr3:180,616,354, C>A on the plus strand (G>T on the coding strand, the complement: CCDC39 is on the minus strand). VCF-style: chr3-180616354-C-A. GRCh37 (hg19) VCF-style: chr3-180334142-C-A.
Other names: c.1775-1026C>A (NM_001288582.2); short protein forms E866*.
Identifiers: ClinVar variation 844752 (VCV000844752.15), dbSNP rs757823891, ClinGen allele CA2715618.
Genomic context (GRCh38, chr3:180,616,354, plus strand): 5'-AAGTATGTGAAGGAGATCTAGAGCTCTGACGACTGCCTTTTGTGCTAGCTGTAGGTAGTT[C>A]TAACCCACTCTGGAGGAATATTCAATAGCAATCATTAGTACTACCTACTGTTTTTTAGAA-3'

ClinVar aggregate classification (germline): Pathogenic/Likely pathogenic. Review status: criteria provided, multiple submitters, no conflicts (2 of 4 stars). 5 submissions from 5 submitters: Pathogenic (4); Likely pathogenic (1). Last evaluated 2026-10-06.

Conditions:
Respiratory ciliopathies including non-CF bronchiectasis.
Primary ciliary dyskinesia 14. Also called: CILIARY DYSKINESIA, PRIMARY, 14, WITH OR WITHOUT SITUS INVERSUS. Identifiers: Orphanet 244, MedGen C3151136, MONDO:0013434, OMIM 613807.
CCDC39-related disorder. Also called: CCDC39-related condition.
Primary ciliary dyskinesia. Also called: Ciliary dyskinesia. Identifiers: Orphanet 244, MedGen C0008780, MONDO:0016575, HP:0012265.

Allele frequency attached by ClinVar (database versions not stated): ExAC 0.00002; gnomAD 0.00003 and 0.00004; TOPMed 0.00003; gnomAD exomes 0.00004 and 0.00002.
gnomAD v4.1: 28 of 1,611,702 alleles (0.0017%); highest among the groups gnomAD compares: Admixed American, 0.01%; no homozygotes.

Submissions (5):

NHS Central & South Genomic Laboratory Hub
Classification: Pathogenic for Respiratory ciliopathies including non-CF bronchiectasis. Last evaluated: 2026-10-06. Review status: criteria provided, single submitter. Criteria: ACMG Guidelines, 2015. Collection method: clinical testing. Allele origin: germline. Affected: yes.

PreventionGenetics, part of Exact Sciences
Classification: Pathogenic for CCDC39-related condition. Last evaluated: 2026-02-21. Review status: criteria provided, single submitter. Criteria: ACMG Guidelines, 2015. Collection method: clinical testing. Allele origin: germline.
Comment: The CCDC39 c.2596G>T variant is predicted to result in premature protein termination (p.Glu866*). This variant has been reported in the homozygous and compound heterozygous states in individuals with primary ciliary dyskinesia (Antony et al. 2013. PubMed ID: 23255504; Baz-Redón et al. 2020. PubMed ID: 32253119). This variant is reported in 0.014% of alleles in individuals of Latino descent in gnomAD. Nonsense variants in CCDC39 are expected to be pathogenic. This variant is interpreted as pathogenic.

Blueprint Genetics
Classification: Likely pathogenic for CCDC39-related disorders. Last evaluated: 2024-09-02. Review status: criteria provided, single submitter. Criteria: ACMG Guidelines, 2015. Collection method: clinical testing. Allele origin: germline. Affected: yes. Observed: 2 variant alleles.

Labcorp Genetics (formerly Invitae), Labcorp
Classification: Pathogenic for Primary ciliary dyskinesia. Last evaluated: 2024-04-10. Review status: criteria provided, single submitter. Criteria: Invitae Variant Classification Sherloc (09022015). Collection method: clinical testing. Allele origin: germline.
Comment: This sequence change creates a premature translational stop signal (p.Glu866*) in the CCDC39 gene. It is expected to result in an absent or disrupted protein product. Loss-of-function variants in CCDC39 are known to be pathogenic (PMID: 21131972, 23255504). This variant is present in population databases (rs757823891, gnomAD 0.01%). This premature translational stop signal has been observed in individual(s) with primary ciliary dyskinesia (PMID: 23255504; Invitae). ClinVar contains an entry for this variant (Variation ID: 844752). For these reasons, this variant has been classified as Pathogenic.

Fulgent Genetics
Classification: Pathogenic for Primary ciliary dyskinesia 14. Last evaluated: 2024-03-12. Review status: criteria provided, single submitter. Criteria: ACMG Guidelines, 2015. Collection method: clinical testing. Allele origin: germline.

Literature cited by the submitters: PubMed 21131972 (cited by Labcorp Genetics (formerly Invitae), Labcorp); PubMed 23255504 (cited by Labcorp Genetics (formerly Invitae), Labcorp).